The following is an entry in ClinVar:

NM_007294.4(BRCA1):c.4650A>G (p.Thr1550=)

Gene: BRCA1 (BRCA1 DNA repair associated; minus strand). Cytogenetic location: 17q21.31.
Variant type: single nucleotide variant.
Coding change: c.4650A>G on transcript NM_007294.4 (MANE Select); coding-DNA position 4650, A replaced by G.
Protein change: p.Thr1550=; no amino-acid change (threonine 1550 retained).
Molecular consequence: synonymous variant. On other transcripts: intron variant (3).
Genome position (GRCh38, 1-based): chr17:43,074,356, T>C on the plus strand (A>G on the coding strand, the complement: BRCA1 is on the minus strand). VCF-style: chr17-43074356-T-C. GRCh37 (hg19) VCF-style: chr17-41226373-T-C.
Other names: c.1341A>G, p.Thr447= (NM_001407977.1, NM_001407978.1, NM_001407973.1 and 3 more transcripts); c.1338A>G, p.Thr446= (NM_001407979.1, NM_001407980.1, NM_001407981.1 and 13 more transcripts); c.1335A>G, p.Thr445= (NM_001408392.1, NM_001408396.1, NM_001408397.1 and 8 more transcripts); c.1332A>G, p.Thr444= (NM_001408406.1, NM_001408407.1, NM_001408408.1); c.1329A>G, p.Thr443= (NM_001408409.1); c.1266A>G, p.Thr422= (NM_001408410.1); c.1263A>G, p.Thr421= (NM_001408411.1); c.1260A>G, p.Thr420= (NM_001408412.1, NM_001408413.1, NM_001408414.1 and 2 more transcripts); and 71 more.
Identifiers: ClinVar variation 230516 (VCV000230516.13), dbSNP rs876658608, ClinGen allele CA10580513.
Genomic context (GRCh38, chr17:43,074,356, plus strand): 5'-AAGTGTTTGTTCCAATACAGCAGATGAAATATTACCTAGATCTTGCCTTGGCAAGTAAGA[T>C]GTTTCCGTCAAATCGTGTGGCCCAGACTCTTCCAGCTGTTGCTCCTCCACATCAACAACC-3'
Protein context (NP_009225.1, residues 1540-1560): EESGPHDLTE[Thr1550=]SYLPRQDLEG

ClinVar aggregate classification (germline): Likely benign. Review status: reviewed by expert panel (3 of 4 stars). 4 submissions from 4 submitters: Likely benign (1). 3 of the submissions do not count toward it. Last evaluated 2017-06-29.

Conditions:
Hereditary breast ovarian cancer syndrome. Also called: Breast and ovarian cancer; Hereditary breast and ovarian cancer; Hereditary breast and ovarian cancer syndrome; Hereditary breast and/or ovarian cancer syndrome; BRCA1- and BRCA2-Associated Hereditary Breast and Ovarian Cancer; Hereditary breast and ovarian cancer syndrome (HBOC). Identifiers: Orphanet 145, MedGen C0677776, MeSH D061325, MONDO:0003582. Disease mechanism: loss of function.
Breast-ovarian cancer, familial, susceptibility to, 1 (BROVCA1). Also called: BRCA1 Hereditary Breast and Ovarian Cancer; OVARIAN CANCER, SUSCEPTIBILITY TO. Identifiers: Orphanet 145, MedGen C2676676, MONDO:0011450, OMIM 604370. Disease mechanism: loss of function.
Hereditary cancer-predisposing syndrome. Also called: Tumor predisposition; Hereditary Cancer Syndrome; Neoplastic Syndromes, Hereditary; Hereditary neoplastic syndrome. Identifiers: Orphanet 140162, MedGen C0027672, MeSH D009386, MONDO:0015356.

Submissions (4):

Evidence-based Network for the Interpretation of Germline Mutant Alleles (ENIGMA)
Classification: Likely benign for Breast-ovarian cancer, familial, susceptibility to, 1. Last evaluated: 2017-06-29. Review status: reviewed by expert panel. Criteria: ENIGMA BRCA1/2 Classification Criteria (2017-06-29). Collection method: curation. Allele origin: germline.
Comment: Synonymous substitution variant, with low bioinformatic likelihood to result in a splicing aberration (Splicing prior probability 0.02).

Labcorp Genetics (formerly Invitae), Labcorp
Classification: Likely benign for Hereditary breast ovarian cancer syndrome. Last evaluated: 2023-03-14. Review status: criteria provided, single submitter. Criteria: Invitae Variant Classification Sherloc (09022015). Collection method: clinical testing. Allele origin: germline. Not counted in ClinVar's aggregate classification.

Color Diagnostics, LLC DBA Color Health
Classification: Likely benign for Hereditary cancer-predisposing syndrome. Last evaluated: 2021-10-11. Review status: criteria provided, single submitter. Criteria: ACMG Guidelines, 2015. Collection method: clinical testing. Allele origin: germline. Not counted in ClinVar's aggregate classification.

Ambry Genetics
Classification: Likely benign for Hereditary cancer-predisposing syndrome. Last evaluated: 2015-02-23. Review status: criteria provided, single submitter. Criteria: Ambry Variant Classification Scheme 2023. Collection method: clinical testing. Allele origin: germline. Not counted in ClinVar's aggregate classification.